The following is an entry in ClinVar:

NM_000208.4(INSR):c.*2820G>A

Gene: INSR (insulin receptor; minus strand). Cytogenetic location: 19p13.2.
Variant type: single nucleotide variant.
Coding change: c.*2820G>A on transcript NM_000208.4 (MANE Select); 2820 bases downstream of the stop codon, G replaced by A.
Molecular consequence: 3 prime UTR variant.
Genome position (GRCh38, 1-based): chr19:7,114,236, C>T on the plus strand (G>A on the coding strand, the complement: INSR is on the minus strand). VCF-style: chr19-7114236-C-T. GRCh37 (hg19) VCF-style: chr19-7114247-C-T.
Other names: c.*2820G>A (NM_001079817.3).
Identifiers: ClinVar variation 330378 (VCV000330378.5), dbSNP rs139376149, ClinGen allele CA10643378.

ClinVar aggregate classification (germline): Likely benign. Review status: criteria provided, single submitter (1 of 4 stars). 3 submissions from 1 submitter: Likely benign (3). Last evaluated 2018-01-12.

Conditions:
Rabson-Mendenhall syndrome. Also called: MENDENHALL SYNDROME; Pineal Hyperplasia, Insulin-Resistant Diabetes Mellitus, and Somatic Abnormalities; Pineal hyperplasia AND diabetes mellitus syndrome. Identifiers: Orphanet 769, MedGen C0271695, MONDO:0009874, OMIM 262190.
Leprechaunism syndrome. Also called: Donohue syndrome; LEPRECHAUNISM. Identifiers: Orphanet 508, MedGen C0265344, MONDO:0009517, OMIM 246200.
Insulin-resistant diabetes mellitus AND acanthosis nigricans. Also called: Insulin-resistance syndrome type A; INSULIN RECEPTOR, DEFECT IN, WITH INSULIN-RESISTANT DIABETES MELLITUS AND ACANTHOSIS NIGRICANS; IRAN, TYPE A; type A insulin resistance; DIABETES MELLITUS, INSULIN-RESISTANT, WITH ACANTHOSIS NIGRICANS, TYPE A. Identifiers: Orphanet 2297, MedGen C0342278, MONDO:0012520, OMIM 610549.

Allele frequency attached by ClinVar (database versions not stated): 1000 Genomes Project 0.00080; 1000 Genomes Project 30x 0.00094; TOPMed 0.00216; gnomAD 0.00365 and 0.00394.

Submissions (3):

Illumina Laboratory Services, Illumina
Classification: Likely benign for Insulin-resistant diabetes mellitus AND acanthosis nigricans. Last evaluated: 2018-01-12. Review status: criteria provided, single submitter. Criteria: ICSL Variant Classification Criteria 13 December 2019. Collection method: clinical testing. Allele origin: germline.
Comment: This variant was observed in the ICSL laboratory as part of a predisposition screen in an ostensibly healthy population. It had not been previously curated by ICSL or reported in the Human Gene Mutation Database (HGMD: prior to June 1st, 2018), and was therefore a candidate for classification through an automated scoring system. Utilizing variant allele frequency, disease prevalence and penetrance estimates, and inheritance mode, an automated score was calculated to assess if this variant is too frequent to cause the disease. Based on the score and internal cut-off values, a variant classified as likely benign is not then subjected to further curation. The score for this variant resulted in a classification of likely benign for this disease.

Illumina Laboratory Services, Illumina
Classification: Likely benign for Rabson-Mendenhall syndrome. Last evaluated: 2018-01-12. Review status: criteria provided, single submitter. Criteria: ICSL Variant Classification Criteria 13 December 2019. Collection method: clinical testing. Allele origin: germline.
Comment: the same text as in the submission from Illumina Laboratory Services, Illumina above.

Illumina Laboratory Services, Illumina
Classification: Likely benign for Leprechaunism syndrome. Last evaluated: 2018-01-12. Review status: criteria provided, single submitter. Criteria: ICSL Variant Classification Criteria 13 December 2019. Collection method: clinical testing. Allele origin: germline.
Comment: the same text as in the submission from Illumina Laboratory Services, Illumina above.